The following is an entry in ClinVar:

NM_022168.4(IFIH1):c.904C>G (p.Pro302Ala)

Gene: IFIH1 (interferon induced with helicase C domain 1; minus strand). Cytogenetic location: 2q24.2.
Variant type: single nucleotide variant.
Coding change: c.904C>G on transcript NM_022168.4 (MANE Select); coding-DNA position 904, C replaced by G.
Protein change: p.Pro302Ala; replaces proline 302 with alanine.
Molecular consequence: missense variant.
Genome position (GRCh38, 1-based): chr2:162,288,326, G>C on the plus strand (C>G on the coding strand, the complement: IFIH1 is on the minus strand). VCF-style: chr2-162288326-G-C. GRCh37 (hg19) VCF-style: chr2-163144836-G-C.
Other names: short protein forms P302A.
Identifiers: ClinVar variation 4789323 (VCV004789323.1).

ClinVar aggregate classification (germline): Uncertain significance (1 of 4 stars; one submission).

Conditions:
Singleton-Merten syndrome 1 (SGMRT1). Also called: Widened medullary cavities of bone, aortic calcification, abnormal dentition, and muscular weakness; Syndrome of widened medullary cavities of the metacarpals and phalanges, aortic calcification and abnormal dentition. Identifiers: Orphanet 85191, MedGen C4225427, MONDO:0024535, OMIM 182250.
Aicardi-Goutieres syndrome 7 (AGS7). Identifiers: Orphanet 51, MedGen C3888244, MONDO:0014367, OMIM 615846.

Submission:

Labcorp Genetics (formerly Invitae), Labcorp
Classification: Uncertain significance for Aicardi-Goutieres syndrome 7; Singleton-Merten syndrome 1. Last evaluated: 2025-03-30. Review status: criteria provided, single submitter. Criteria: Invitae Variant Classification Sherloc (09022015). Collection method: clinical testing. Allele origin: germline.
Comment: This sequence change replaces proline, which is neutral and non-polar, with alanine, which is neutral and non-polar, at codon 302 of the IFIH1 protein (p.Pro302Ala). This variant is not present in population databases (gnomAD no frequency). This variant has not been reported in the literature in individuals affected with IFIH1-related conditions. Invitae Evidence Modeling of protein sequence and biophysical properties (such as structural, functional, and spatial information, amino acid conservation, physicochemical variation, residue mobility, and thermodynamic stability) has been performed for this missense variant. However, the output from this modeling did not meet the statistical confidence thresholds required to predict the impact of this variant on IFIH1 protein function. In summary, the available evidence is currently insufficient to determine the role of this variant in disease. Therefore, it has been classified as a Variant of Uncertain Significance.